The following is an entry in ClinVar:

ClinVar aggregate classification (germline): Conflicting classifications of pathogenicity. Review status: criteria provided, conflicting classifications (1 of 4 stars). 3 submissions from 3 submitters: Uncertain significance (1); Benign (1); Likely benign (1). Last evaluated 2025-08-26.

Conditions:
Rubinstein-Taybi syndrome (RSTS). Identifiers: Orphanet 783, MedGen C0035934, MONDO:0019188.
CREBBP-related disorder. Also called: CREBBP-related condition; CREBBP-related disorders.

Allele frequency attached by ClinVar (database versions not stated): gnomAD 0.00002 and 0.00003; TOPMed 0.00004; gnomAD exomes 0.00007; ExAC 0.00008.
gnomAD v4.1: 26 of 1,613,940 alleles (0.0016%); highest among the groups gnomAD compares: East Asian, 0.036%; no homozygotes.

Submissions (3):

Labcorp Genetics (formerly Invitae), Labcorp
Classification: Benign for Rubinstein-Taybi syndrome. Last evaluated: 2025-08-26. Review status: criteria provided, single submitter. Criteria: Invitae Variant Classification Sherloc (09022015). Collection method: clinical testing. Allele origin: germline.

PreventionGenetics, part of Exact Sciences
Classification: Likely benign for CREBBP-related condition. Last evaluated: 2025-01-21. Review status: criteria provided, single submitter. Criteria: ACMG Guidelines, 2015. Collection method: clinical testing. Allele origin: germline.
Comment: This variant is classified as likely benign based on ACMG/AMP sequence variant interpretation guidelines (Richards et al. 2015 PMID: 25741868, with internal and published modifications).

Genetic Services Laboratory, University of Chicago
Classification: Uncertain significance. Last evaluated: 2020-02-04. Review status: criteria provided, single submitter. Criteria: ACMG Guidelines, 2015. Collection method: clinical testing. Allele origin: germline. Affected: no.

NM_004380.3(CREBBP):c.2635C>T (p.Pro879Ser)

Gene: CREBBP (CREB binding lysine acetyltransferase; minus strand). Cytogenetic location: 16p13.3.
Variant type: single nucleotide variant.
Coding change: c.2635C>T on transcript NM_004380.3 (MANE Select); coding-DNA position 2635, C replaced by T.
Protein change: p.Pro879Ser; replaces proline 879 with serine.
Molecular consequence: missense variant.
Genome position (GRCh38, 1-based): chr16:3,770,815, G>A on the plus strand (C>T on the coding strand, the complement: CREBBP is on the minus strand). VCF-style: chr16-3770815-G-A. GRCh37 (hg19) VCF-style: chr16-3820816-G-A.
Other names: c.2521C>T, p.Pro841Ser (NM_001079846.1); short protein forms P841S, P879S.
Identifiers: ClinVar variation 1338566 (VCV001338566.9), dbSNP rs779479811, ClinGen allele CA7870060.